The following is an entry in ClinVar:

ClinVar aggregate classification (germline): Pathogenic (1 of 4 stars; one submission).

Conditions:
Mucopolysaccharidosis type 1. Also called: IDUA deficiency; MPS I; Mucopolysaccharidosis Type I. Identifiers: Orphanet 579, MedGen C0023786, MONDO:0001586.

Submission:

Myriad Genetics, Inc.
Classification: Pathogenic for Mucopolysaccharidosis type 1. Last evaluated: 2024-05-10. Review status: criteria provided, single submitter. Criteria: Myriad Autosomal Dominant, Autosomal Recessive and X-Linked Classification Criteria (2023). Collection method: clinical testing. Allele origin: unknown.
Comment: NM_000203.3(IDUA):c.1283dupA(A431Gfs*78) is expected to be pathogenic in the context of mucopolysaccharidosis type I. This variant is predicted to lead to an abnormal or absent protein product due to the creation of a premature termination codon in IDUA, a gene where loss-of-function variants are known to be pathogenic. Please note: this variant was assessed in the context of healthy population screening.

NM_000203.5(IDUA):c.1283dup (p.Ala431fs)

Gene: IDUA (alpha-L-iduronidase; plus strand). Cytogenetic location: 4p16.3.
Variant type: Duplication.
Coding change: c.1283dup on transcript NM_000203.5 (MANE Select); coding-DNA position 1283, one base duplicated (A; older notation c.1283dupA).
Protein change: p.Ala431fs; shifts the reading frame from alanine 431.
Molecular consequence: frameshift variant. On other transcripts: non-coding transcript variant (1).
Genome position (GRCh38, 1-based): chr4:1,002,825, A duplicated. VCF-style (leftmost placement, unchanged base first): chr4-1002824-C-CA. GRCh37 (hg19) VCF-style: chr4-996612-C-CA.
Other names: c.887dup, p.Ala299fs (NM_001363576.1); short protein forms A299fs, A431fs.
Identifiers: ClinVar variation 5013029 (VCV005013029.1).